The following is an entry in ClinVar:

ClinVar aggregate classification (germline): Uncertain significance. Review status: criteria provided, multiple submitters, no conflicts (2 of 4 stars). 3 submissions from 3 submitters: Uncertain significance (3). Last evaluated 2026-02-02.

Conditions:
Distal myopathy with posterior leg and anterior hand involvement. Also called: WILLIAMS DISTAL MYOPATHY. Identifiers: Orphanet 63273, MedGen C3279722, MONDO:0013550, OMIM 614065.
Myofibrillar myopathy 5. Also called: Filaminopathy (type); FILAMINOPATHY, AUTOSOMAL DOMINANT. Identifiers: Orphanet 171445, MedGen C1836050, MONDO:0012289, OMIM 609524.
Hypertrophic cardiomyopathy 26. Also called: Cardiomyopathy, familial hypertrophic, 26. Identifiers: Orphanet 75249, MedGen C4310749, MONDO:0014883, OMIM 617047.

Allele frequency attached by ClinVar (database versions not stated): TOPMed 0.00002; gnomAD 0.00003 and 0.00004.
gnomAD v4.1: 23 of 1,613,832 alleles (0.0014%); highest among the groups gnomAD compares: African/African-American, 0.004%; no homozygotes.

Submissions (3):

GeneDx
Classification: Uncertain significance. Last evaluated: 2026-02-02. Review status: criteria provided, single submitter. Criteria: GeneDx Variant Classification Process June 2021. Collection method: clinical testing. Allele origin: germline. Affected: yes.
Comment: Has not been previously published as pathogenic or benign in association with an FLNC-related disorder to our knowledge; In silico analysis supports that this missense variant has a deleterious effect on protein structure/function; This variant is associated with the following publications: (PMID: 30681346)

Labcorp Genetics (formerly Invitae), Labcorp
Classification: Uncertain significance for Distal myopathy with posterior leg and anterior hand involvement; Myofibrillar myopathy 5; Hypertrophic cardiomyopathy 26. Last evaluated: 2025-12-06. Review status: criteria provided, single submitter. Criteria: Invitae Variant Classification Sherloc (09022015). Collection method: clinical testing. Allele origin: germline.
Comment: This sequence change replaces arginine, which is basic and polar, with histidine, which is basic and polar, at codon 1931 of the FLNC protein (p.Arg1931His). This variant is present in population databases (no rsID available, gnomAD 0.003%). This variant has not been reported in the literature in individuals affected with FLNC-related conditions. ClinVar contains an entry for this variant (Variation ID: 472111). Invitae Evidence Modeling of protein sequence and biophysical properties (such as structural, functional, and spatial information, amino acid conservation, physicochemical variation, residue mobility, and thermodynamic stability) has been performed for this missense variant. However, the output from this modeling did not meet the statistical confidence thresholds required to predict the impact of this variant on FLNC protein function. In summary, the available evidence is currently insufficient to determine the role of this variant in disease. Therefore, it has been classified as a Variant of Uncertain Significance.

Fulgent Genetics
Classification: Uncertain significance for Myofibrillar myopathy 5; Distal myopathy with posterior leg and anterior hand involvement; Hypertrophic cardiomyopathy 26. Last evaluated: 2018-10-31. Review status: criteria provided, single submitter. Criteria: ACMG Guidelines, 2015. Collection method: clinical testing. Allele origin: unknown.

NM_001458.5(FLNC):c.5792G>A (p.Arg1931His)

Genes: FLNC (filamin C; plus strand), FLNC-AS1 (FLNC antisense RNA 1; minus strand). Cytogenetic location: 7q32.1.
Variant type: single nucleotide variant.
Coding change: c.5792G>A on transcript NM_001458.5 (MANE Select); coding-DNA position 5792, G replaced by A.
Protein change: p.Arg1931His; replaces arginine 1931 with histidine.
Molecular consequence: missense variant.
Genome position (GRCh38, 1-based): chr7:128,851,578, G>A. VCF-style: chr7-128851578-G-A. GRCh37 (hg19) VCF-style: chr7-128491632-G-A.
Other names: c.5693G>A, p.Arg1898His (NM_001127487.2); short protein forms R1931H, R1898H.
Identifiers: ClinVar variation 472111 (VCV000472111.15), dbSNP rs780685346, ClinGen allele CA369208463.